The following is an entry in ClinVar:

NM_000245.4(MET):c.974C>A (p.Pro325His)

Gene: MET (MET proto-oncogene, receptor tyrosine kinase; plus strand). Cytogenetic location: 7q31.2.
Variant type: single nucleotide variant.
Coding change: c.974C>A on transcript NM_000245.4 (MANE Select); coding-DNA position 974, C replaced by A.
Protein change: p.Pro325His; replaces proline 325 with histidine.
Molecular consequence: missense variant. On other transcripts: intron variant (1).
Genome position (GRCh38, 1-based): chr7:116,700,058, C>A. VCF-style: chr7-116700058-C-A. GRCh37 (hg19) VCF-style: chr7-116340112-C-A.
Other names: c.974C>A, p.Pro325His (NM_001127500.3, NM_001324401.3); c.-91+27481C>A (NM_001324402.2); short protein forms P325H.
Identifiers: ClinVar variation 3294341 (VCV003294341.1).

ClinVar aggregate classification (germline): Uncertain significance (1 of 4 stars; one submission).

Conditions:
Hereditary cancer-predisposing syndrome. Also called: Tumor predisposition; Hereditary Cancer Syndrome; Hereditary neoplastic syndrome; Neoplastic Syndromes, Hereditary. Identifiers: Orphanet 140162, MedGen C0027672, MeSH D009386, MONDO:0015356.

gnomAD v4.1: 1 of 1,613,666 alleles (0.000062%); highest among the groups gnomAD compares: Admixed American, 0.0017%; no homozygotes.

Submission:

Ambry Genetics
Classification: Uncertain significance for Hereditary cancer-predisposing syndrome. Last evaluated: 2024-04-26. Review status: criteria provided, single submitter. Criteria: Ambry Variant Classification Scheme 2023. Collection method: clinical testing. Allele origin: germline.
Comment: The p.P325H variant (also known as c.974C>A), located in coding exon 1 of the MET gene, results from a C to A substitution at nucleotide position 974. The proline at codon 325 is replaced by histidine, an amino acid with similar properties. This amino acid position is conserved. In addition, this alteration is predicted to be tolerated by in silico analysis. Based on the available evidence, the clinical significance of this variant remains unclear.